The following is an entry in ClinVar:

ClinVar aggregate classification (germline): Uncertain significance. Review status: criteria provided, multiple submitters, no conflicts (2 of 4 stars). 2 submissions from 2 submitters: Uncertain significance (2). Last evaluated 2024-03-11.

Allele frequency attached by ClinVar (database versions not stated): ExAC 0.00002; TOPMed 0.00004; gnomAD 0.00005; ESP Exome Variant Server 0.00008; gnomAD exomes 0.00009.
gnomAD v4.1: 143 of 1,613,932 alleles (0.0089%); highest among the groups gnomAD compares: Non-Finnish European, 0.011%; no homozygotes.

Submissions (2):

Ambry Genetics
Classification: Uncertain significance. Last evaluated: 2024-03-11. Review status: criteria provided, single submitter. Criteria: Ambry Variant Classification Scheme 2023. Collection method: clinical testing. Allele origin: germline.

GeneDx
Classification: Uncertain significance. Last evaluated: 2022-09-14. Review status: criteria provided, single submitter. Criteria: GeneDx Variant Classification Process June 2021. Collection method: clinical testing. Allele origin: germline. Affected: yes.
Comment: In silico analysis supports that this missense variant does not alter protein structure/function; Has not been previously published as pathogenic or benign to our knowledge; Variants in candidate genes are classified as variants of uncertain significance in accordance with ACMG guidelines (Richards et al., 2015)

NM_203395.3(IYD):c.355G>A (p.Val119Ile)

Gene: IYD (iodotyrosine deiodinase; plus strand). Cytogenetic location: 6q25.1.
Variant type: single nucleotide variant.
Coding change: c.355G>A on transcript NM_203395.3 (MANE Select); coding-DNA position 355, G replaced by A.
Protein change: p.Val119Ile; replaces valine 119 with isoleucine.
Molecular consequence: missense variant. On other transcripts: intron variant (1), non-coding transcript variant (1).
Genome position (GRCh38, 1-based): chr6:150,389,528, G>A. VCF-style: chr6-150389528-G-A. GRCh37 (hg19) VCF-style: chr6-150710664-G-A.
Other names: c.124+53G>A (NM_001318495.2); c.355G>A, p.Val119Ile (NM_001164694.2, NM_001164695.2); short protein forms V119I.
Identifiers: ClinVar variation 3112051 (VCV003112051.2), dbSNP rs372013479, ClinGen allele CA4046985.
Genomic context (GRCh38, chr6:150,389,528, plus strand): 5'-AAGAGACGGTCAGTCAGGTTCATAAGTAATGAGCAAGTCCCAATGGAAGTCATTGATAAT[G>A]TCATCAGAACGGCAGGTTTGTAATTGCAGATGGGGTCTTTGGAAATGTTAGTCACCTTAC-3'
Protein context (NP_981932.1, residues 109-129): EQVPMEVIDN[Val119Ile]IRTAGTAPSG